The following is an entry in ClinVar:

ClinVar aggregate classification (germline): Likely pathogenic (1 of 4 stars; one submission).

Conditions:
Carnitine deficiency. Identifiers: MedGen C1142132.

Submission:

Natera, Inc.
Classification: Likely pathogenic for Carnitine deficiency. Last evaluated: 2025-01-27. Review status: criteria provided, single submitter. Criteria: Natera Variant Classification Schema (03/2026). Collection method: clinical testing. Allele origin: germline.
Comment: The c.528del variant in SLC22A5 is a frameshift variant predicted to shift the reading frame beginning at codon 177 and leads to a stop codon 27 codons downstream. This variant is expected to result in nonsense mediated decay, truncation, or a dysfunctional protein product. This variant is rare in the general population with a frequency below the threshold expected for the associated phenotype(s). Given the available evidence, this variant is classified as Likely Pathogenic.

NM_003060.4(SLC22A5):c.528del (p.Met177fs)

Gene: SLC22A5 (solute carrier family 22 member 5; plus strand). Cytogenetic location: 5q31.1.
Variant type: Deletion.
Coding change: c.528del on transcript NM_003060.4 (MANE Select); coding-DNA position 528, one base deleted (C; older notation c.528delC).
Protein change: p.Met177fs; shifts the reading frame from methionine 177.
Molecular consequence: frameshift variant.
Genome position (GRCh38, 1-based): chr5:132,384,177, C deleted; the last of 2 consecutive C bases (chr5:132,384,176-132,384,177); deleting either gives the same sequence. VCF-style (leftmost placement, unchanged base first): chr5-132384175-AC-A. GRCh37 (hg19) VCF-style: chr5-131719867-AC-A.
Other names: c.600del, p.Met201fs (NM_001308122.2); short protein forms M177fs, M201fs.
Identifiers: ClinVar variation 4061550 (VCV004061550.2).